The following is an entry in ClinVar:

ClinVar aggregate classification (germline): Uncertain significance (1 of 4 stars; one submission).

Conditions:
Fabry disease. Also called: Fabry's disease; ALPHA-GALACTOSIDASE A DEFICIENCY; ANDERSON-FABRY DISEASE; CERAMIDE TRIHEXOSIDASE DEFICIENCY; GLA DEFICIENCY; HEREDITARY DYSTOPIC LIPIDOSIS. Identifiers: Orphanet 324, MedGen C0002986, MONDO:0010526, OMIM 301500, HP:0001071. Disease mechanism: Fabry disease is due to inactivating mutations in the X-linked GLA gene resulting in deficiency of the enzyme Alpha Galactosidase-A., loss of function.

Submission:

All of Us Research Program, National Institutes of Health
Classification: Uncertain significance for Fabry disease. Last evaluated: 2023-06-26. Review status: criteria provided, single submitter. Criteria: ACMG Guidelines, 2015. Collection method: clinical testing. Allele origin: germline. Inheritance: X-linked inheritance. Observed: 1 variant allele, 1 heterozygote.
Comment: This variant is located in the GLA protein. To our knowledge, functional studies have not been reported for this variant. This variant has not been reported in individuals affected with GLA-related disorders in the literature. This variant has not been identified in the general population by the Genome Aggregation Database (gnomAD). The available evidence is insufficient to determine the role of this variant in disease conclusively. Therefore, this variant is classified as a Variant of Uncertain Significance.

This study involves interpretation of variants in research participants for the purpose of population health screening. Participant phenotype was not available at the time of variant classification. Additional details can be found in publication PMID: 35346344, PMCID: PMC8962531

NM_000169.3(GLA):c.1164C>T (p.Leu388=)

Genes: GLA (galactosidase alpha; minus strand), RPL36A-HNRNPH2 (RPL36A-HNRNPH2 readthrough; plus strand). Cytogenetic location: Xq22.1.
Variant type: single nucleotide variant.
Coding change: c.1164C>T on transcript NM_000169.3 (MANE Select); coding-DNA position 1164, C replaced by T.
Protein change: p.Leu388=; no amino-acid change (leucine 388 retained).
Molecular consequence: synonymous variant. On other transcripts: non-coding transcript variant (3), intron variant (2).
Genome position (GRCh38, 1-based): chrX:101,397,935, G>A on the plus strand (C>T on the coding strand, the complement: GLA is on the minus strand). VCF-style: chrX-101397935-G-A. GRCh37 (hg19) VCF-style: chrX-100652923-G-A.
Other names: c.1287C>T, p.Leu429= (NM_001406747.1); c.300+2478G>A (NM_001199973.2); c.177+6113G>A (NM_001199974.2).
Identifiers: ClinVar variation 3071842 (VCV003071842.1), dbSNP rs2520850376, ClinGen allele CA517519557.